The following is an entry in ClinVar:

NM_003906.5(MCM3AP):c.2719A>C (p.Met907Leu)

Gene: MCM3AP (minichromosome maintenance complex component 3 associated protein; minus strand). Cytogenetic location: 21q22.3.
Variant type: single nucleotide variant.
Coding change: c.2719A>C on transcript NM_003906.5 (MANE Select); coding-DNA position 2719, A replaced by C.
Protein change: p.Met907Leu; replaces methionine 907 with leucine.
Molecular consequence: missense variant.
Genome position (GRCh38, 1-based): chr21:46,267,052, T>G on the plus strand (A>C on the coding strand, the complement: MCM3AP is on the minus strand). VCF-style: chr21-46267052-T-G. GRCh37 (hg19) VCF-style: chr21-47686966-T-G.
Other names: short protein forms M907L.
Identifiers: ClinVar variation 2003548 (VCV002003548.4), dbSNP rs150629654, ClinGen allele CA410563929.
Genomic context (GRCh38, chr21:46,267,052, plus strand): 5'-CGGTGAGGCCGTGGCAGGTGAGGAAGTCGGTGGCCTCTTCACAGTCTCTGAACAGCAGCA[T>G]GCGCACCACACCATCCAGGGGAAAGATGGTAGATCGCTGTGTGCTCACCGTGTACGCAAA-3'
Protein context (NP_003897.2, residues 897-917): TIFPLDGVVR[Met907Leu]LLFRDCEEAT

ClinVar aggregate classification (germline): Uncertain significance (1 of 4 stars; one submission).

gnomAD v4.1: 1 of 1,614,220 alleles (0.000062%); highest among the groups gnomAD compares: East Asian, 0.0022%; no homozygotes.

Submission:

Labcorp Genetics (formerly Invitae), Labcorp
Classification: Uncertain significance. Last evaluated: 2024-12-02. Review status: criteria provided, single submitter. Criteria: Invitae Variant Classification Sherloc (09022015). Collection method: clinical testing. Allele origin: germline.
Comment: This sequence change replaces methionine, which is neutral and non-polar, with leucine, which is neutral and non-polar, at codon 907 of the MCM3AP protein (p.Met907Leu). This variant is present in population databases (no rsID available, gnomAD 0.006%). This variant has not been reported in the literature in individuals affected with MCM3AP-related conditions. ClinVar contains an entry for this variant (Variation ID: 2003548). An algorithm developed to predict the effect of missense changes on protein structure and function (PolyPhen-2) suggests that this variant is likely to be tolerated. In summary, the available evidence is currently insufficient to determine the role of this variant in disease. Therefore, it has been classified as a Variant of Uncertain Significance.